The following is an entry in ClinVar:

ClinVar aggregate classification (germline): Uncertain significance. Review status: criteria provided, multiple submitters, no conflicts (2 of 4 stars). 2 submissions from 2 submitters: Uncertain significance (2). Last evaluated 2025-11-19.

Conditions:
Renal cell carcinoma. Identifiers: Orphanet 217071, MedGen C0007134, MeSH D002292, MONDO:0005086, HP:0005584.
Hereditary cancer-predisposing syndrome. Also called: Neoplastic Syndromes, Hereditary; Tumor predisposition; Hereditary Cancer Syndrome; Hereditary neoplastic syndrome. Identifiers: Orphanet 140162, MedGen C0027672, MeSH D009386, MONDO:0015356.

Submissions (2):

Ambry Genetics
Classification: Uncertain significance for Hereditary cancer-predisposing syndrome. Last evaluated: 2025-11-19. Review status: criteria provided, single submitter. Criteria: Ambry Variant Classification Scheme 2023. Collection method: clinical testing. Allele origin: germline.
Comment: The p.R218S variant (also known as c.654G>C), located in coding exon 1 of the MET gene, results from a G to C substitution at nucleotide position 654. The arginine at codon 218 is replaced by serine, an amino acid with dissimilar properties. This amino acid position is well conserved in available vertebrate species. In addition, the in silico prediction for this alteration is inconclusive. Based on the available evidence, the clinical significance of this variant remains unclear.

Labcorp Genetics (formerly Invitae), Labcorp
Classification: Uncertain significance for Renal cell carcinoma. Last evaluated: 2023-11-24. Review status: criteria provided, single submitter. Criteria: Invitae Variant Classification Sherloc (09022015). Collection method: clinical testing. Allele origin: germline.
Comment: This sequence change replaces arginine, which is basic and polar, with serine, which is neutral and polar, at codon 218 of the MET protein (p.Arg218Ser). This variant is not present in population databases (gnomAD no frequency). This variant has not been reported in the literature in individuals affected with MET-related conditions. ClinVar contains an entry for this variant (Variation ID: 1001428). Advanced modeling of protein sequence and biophysical properties (such as structural, functional, and spatial information, amino acid conservation, physicochemical variation, residue mobility, and thermodynamic stability) has been performed at Invitae for this missense variant, however the output from this modeling did not meet the statistical confidence thresholds required to predict the impact of this variant on MET protein function. In summary, the available evidence is currently insufficient to determine the role of this variant in disease. Therefore, it has been classified as a Variant of Uncertain Significance.

NM_000245.4(MET):c.654G>C (p.Arg218Ser)

Gene: MET (MET proto-oncogene, receptor tyrosine kinase; plus strand). Cytogenetic location: 7q31.2.
Variant type: single nucleotide variant.
Coding change: c.654G>C on transcript NM_000245.4 (MANE Select); coding-DNA position 654, G replaced by C.
Protein change: p.Arg218Ser; replaces arginine 218 with serine.
Molecular consequence: missense variant. On other transcripts: intron variant (1).
Genome position (GRCh38, 1-based): chr7:116,699,738, G>C. VCF-style: chr7-116699738-G-C. GRCh37 (hg19) VCF-style: chr7-116339792-G-C.
Other names: c.654G>C, p.Arg218Ser (NM_001127500.3, NM_001324401.3); c.-91+27161G>C (NM_001324402.2); c.654G>C (NM_001127500.1); short protein forms R218S.
Identifiers: ClinVar variation 1001428 (VCV001001428.9), dbSNP rs35284565, ClinGen allele CA368969548.